The following is an entry in ClinVar:

ClinVar aggregate classification (germline): Uncertain significance. Review status: criteria provided, multiple submitters, no conflicts (2 of 4 stars). 2 submissions from 2 submitters: Uncertain significance (2). Last evaluated 2024-01-23.

Conditions:
Spondylometaphyseal dysplasia - Sutcliffe type. Also called: Sutcliffe type of spondylometaphyseal dysplasia; Sutcliffe SMD; Spondylometaphyseal dysplasia, 'corner fracture' type; Spondylometaphyseal Dysplasia, Corner Fracture Type. Identifiers: Orphanet 93315, MedGen C0432221, MONDO:0008479, OMIM 184255.
Glomerulopathy with fibronectin deposits 2 (GFND2). Identifiers: Orphanet 84090, MedGen C1866075, MONDO:0011165, OMIM 601894.

Submissions (2):

Fulgent Genetics
Classification: Uncertain significance for Spondylometaphyseal dysplasia - Sutcliffe type; Glomerulopathy with fibronectin deposits 2. Last evaluated: 2024-01-23. Review status: criteria provided, single submitter. Criteria: ACMG Guidelines, 2015. Collection method: clinical testing. Allele origin: germline.

Labcorp Genetics (formerly Invitae), Labcorp
Classification: Uncertain significance. Last evaluated: 2021-12-12. Review status: criteria provided, single submitter. Criteria: Invitae Variant Classification Sherloc (09022015). Collection method: clinical testing. Allele origin: germline.
Comment: In summary, the available evidence is currently insufficient to determine the role of this variant in disease. Therefore, it has been classified as a Variant of Uncertain Significance. Algorithms developed to predict the effect of missense changes on protein structure and function are either unavailable or do not agree on the potential impact of this missense change (SIFT: "Not Available"; PolyPhen-2: "Probably Damaging"; Align-GVGD: "Not Available"). This variant has not been reported in the literature in individuals affected with FN1-related conditions. This variant is not present in population databases (gnomAD no frequency). This sequence change replaces glutamine, which is neutral and polar, with arginine, which is basic and polar, at codon 257 of the FN1 protein (p.Gln257Arg).

NM_212482.4(FN1):c.770A>G (p.Gln257Arg)

Gene: FN1 (fibronectin 1; minus strand). Cytogenetic location: 2q35.
Variant type: single nucleotide variant.
Coding change: c.770A>G on transcript NM_212482.4 (MANE Select); coding-DNA position 770, A replaced by G.
Protein change: p.Gln257Arg; replaces glutamine 257 with arginine.
Molecular consequence: missense variant.
Genome position (GRCh38, 1-based): chr2:215,428,254, T>C on the plus strand (A>G on the coding strand, the complement: FN1 is on the minus strand). VCF-style: chr2-215428254-T-C. GRCh37 (hg19) VCF-style: chr2-216292977-T-C.
Other names: c.770A>G, p.Gln257Arg (NM_001306129.2, NM_001306130.2, NM_001306131.2 and 14 more transcripts); short protein forms Q257R.
Identifiers: ClinVar variation 2040730 (VCV002040730.5), dbSNP rs2470466311, ClinGen allele CA350473843.
Genomic context (GRCh38, chr2:215,428,254, plus strand): 5'-TGCACAGAGGTGTGCCTCTCACACTTCCACTCTCCTCGGCCGTTGCCTGTGCAGATGCAC[T>C]GGAGCAGGTTTCCTCGATTATCCTTCTTGCTCCAGGTGTCTCCAATTCTATAGGATGTCC-3'
Protein context (NP_997647.2, residues 247-267): SKKDNRGNLL[Gln257Arg]CICTGNGRGE